The following is an entry in ClinVar:

ClinVar aggregate classification (germline): Benign/Likely benign. Review status: criteria provided, multiple submitters, no conflicts (2 of 4 stars). 4 submissions from 4 submitters: Benign (1); Likely benign (2). 1 of the submissions does not count toward it. Last evaluated 2024-06-17.

Conditions:
Brugada syndrome 2 (BRGDA2). Identifiers: Orphanet 130, MedGen C2673193, MONDO:0012728, OMIM 611777.
GPD1L-related disorder. Also called: GPD1L-related condition.

Allele frequency attached by ClinVar (database versions not stated): gnomAD 0.00006; gnomAD exomes 0.00012; ExAC 0.00013; 1000 Genomes Project 30x 0.00016; 1000 Genomes Project 0.00020.
gnomAD v4.1: 97 of 1,613,938 alleles (0.006%); highest among the groups gnomAD compares: Middle Eastern, 0.017%; no homozygotes.

Submissions (4):

Blueprint Genetics
Classification: Likely benign. Last evaluated: 2024-06-17. Review status: criteria provided, single submitter. Criteria: ACMG Guidelines, 2015. Collection method: clinical testing. Allele origin: germline.

Fulgent Genetics
Classification: Likely benign for Brugada syndrome 2. Last evaluated: 2021-09-15. Review status: criteria provided, single submitter. Criteria: ACMG Guidelines, 2015. Collection method: clinical testing. Allele origin: unknown.

GeneDx
Classification: Benign. Last evaluated: 2015-03-03. Review status: criteria provided, single submitter. Criteria: GeneDx Variant Classification Process June 2021. Collection method: clinical testing. Allele origin: germline. Affected: yes.

PreventionGenetics, part of Exact Sciences
Classification: Likely benign for GPD1L-related condition. Last evaluated: 2019-08-09. Review status: no assertion criteria provided. Collection method: clinical testing. Allele origin: germline. Not counted in ClinVar's aggregate classification.
Comment: This variant is classified as likely benign based on ACMG/AMP sequence variant interpretation guidelines (Richards et al. 2015 PMID: 25741868, with internal and published modifications).

NM_015141.4(GPD1L):c.367-10A>T

Gene: GPD1L (glycerol-3-phosphate dehydrogenase 1 like; plus strand). Cytogenetic location: 3p22.3.
Variant type: single nucleotide variant.
Coding change: c.367-10A>T on transcript NM_015141.4 (MANE Select); 10 bases into the intron before coding-DNA position 367, A replaced by T.
Genome position (GRCh38, 1-based): chr3:32,140,218, A>T. VCF-style: chr3-32140218-A-T. GRCh37 (hg19) VCF-style: chr3-32181710-A-T.
Other names: c.367-10A>T (LRG_419t1).
Identifiers: ClinVar variation 1245688 (VCV001245688.6), dbSNP rs113764055, ClinGen allele CA2296628.
Genomic context (GRCh38, chr3:32,140,218, plus strand): 5'-GGACATCTACTATCCCATGCCTCTTTGATTTGGCGGTTTGTTCTCTCCTAACTTCTTGGC[A>T]TCCTTGTAGGGCATAGACGAGGGCCCCGAGGGGCTGAAGCTCATTTCTGACATCATCCGT-3'